The following is an entry in ClinVar:

ClinVar aggregate classification (germline): Likely benign. Review status: criteria provided, multiple submitters, no conflicts (2 of 4 stars). 3 submissions from 3 submitters: Likely benign (3). Last evaluated 2024-05-29.

Allele frequency attached by ClinVar (database versions not stated): TOPMed below 0.00001; gnomAD 0.00001; gnomAD exomes 0.00002.

Submissions (3):

Blueprint Genetics
Classification: Likely benign. Last evaluated: 2024-05-29. Review status: criteria provided, single submitter. Criteria: ACMG Guidelines, 2015. Collection method: clinical testing. Allele origin: germline.

Labcorp Genetics (formerly Invitae), Labcorp
Classification: Likely benign. Last evaluated: 2023-12-06. Review status: criteria provided, single submitter. Criteria: Invitae Variant Classification Sherloc (09022015). Collection method: clinical testing. Allele origin: germline.

GeneDx
Classification: Likely benign. Last evaluated: 2018-01-18. Review status: criteria provided, single submitter. Criteria: GeneDx Variant Classification (06012015). Collection method: clinical testing. Allele origin: germline. Affected: yes.
Comment: This variant is considered likely benign or benign based on one or more of the following criteria: it is a conservative change, it occurs at a poorly conserved position in the protein, it is predicted to be benign by multiple in silico algorithms, and/or has population frequency not consistent with disease.

NM_006796.3(AFG3L2):c.552+15G>A

Gene: AFG3L2 (AFG3 like matrix AAA peptidase subunit 2; minus strand). Cytogenetic location: 18p11.21.
Variant type: single nucleotide variant.
Coding change: c.552+15G>A on transcript NM_006796.3 (MANE Select); 15 bases into the intron after coding-DNA position 552, G replaced by A.
Molecular consequence: intron variant.
Genome position (GRCh38, 1-based): chr18:12,366,950, C>T on the plus strand (G>A on the coding strand, the complement: AFG3L2 is on the minus strand). VCF-style: chr18-12366950-C-T. GRCh37 (hg19) VCF-style: chr18-12366949-C-T.
Identifiers: ClinVar variation 514434 (VCV000514434.5), dbSNP rs1182138375, ClinGen allele CA628227448.